The following is an entry in ClinVar:

NM_019098.5(CNGB3):c.389C>G (p.Ala130Gly)

Gene: CNGB3 (cyclic nucleotide gated channel subunit beta 3; minus strand). Cytogenetic location: 8q21.3.
Variant type: single nucleotide variant.
Coding change: c.389C>G on transcript NM_019098.5 (MANE Select); coding-DNA position 389, C replaced by G.
Protein change: p.Ala130Gly; replaces alanine 130 with glycine.
Molecular consequence: missense variant.
Genome position (GRCh38, 1-based): chr8:86,671,048, G>C on the plus strand (C>G on the coding strand, the complement: CNGB3 is on the minus strand). VCF-style: chr8-86671048-G-C. GRCh37 (hg19) VCF-style: chr8-87683276-G-C.
Other names: short protein forms A130G.
Identifiers: ClinVar variation 1950450 (VCV001950450.2), dbSNP rs763732485, ClinGen allele CA4800409.

ClinVar aggregate classification (germline): Uncertain significance (1 of 4 stars; one submission).

Allele frequency attached by ClinVar (database versions not stated): gnomAD exomes below 0.00001; ExAC 0.00001; gnomAD 0.00001; TOPMed 0.00001.
gnomAD v4.1: 7 of 1,613,768 alleles (0.00043%); highest among the groups gnomAD compares: East Asian, 0.016%; no homozygotes.

Submission:

Labcorp Genetics (formerly Invitae), Labcorp
Classification: Uncertain significance. Last evaluated: 2021-12-24. Review status: criteria provided, single submitter. Criteria: Invitae Variant Classification Sherloc (09022015). Collection method: clinical testing. Allele origin: germline.
Comment: This sequence change replaces alanine, which is neutral and non-polar, with glycine, which is neutral and non-polar, at codon 130 of the CNGB3 protein (p.Ala130Gly). This variant is present in population databases (rs763732485, gnomAD 0.02%). This variant has not been reported in the literature in individuals affected with CNGB3-related conditions. Advanced modeling of protein sequence and biophysical properties (such as structural, functional, and spatial information, amino acid conservation, physicochemical variation, residue mobility, and thermodynamic stability) performed at Invitae indicates that this missense variant is not expected to disrupt CNGB3 protein function. In summary, the available evidence is currently insufficient to determine the role of this variant in disease. Therefore, it has been classified as a Variant of Uncertain Significance.